The following is an entry in ClinVar:

NM_000379.4(XDH):c.3271G>C (p.Val1091Leu)

Gene: XDH (xanthine dehydrogenase; minus strand). Cytogenetic location: 2p23.1.
Variant type: single nucleotide variant.
Coding change: c.3271G>C on transcript NM_000379.4 (MANE Select); coding-DNA position 3271, G replaced by C.
Protein change: p.Val1091Leu; replaces valine 1091 with leucine.
Molecular consequence: missense variant.
Genome position (GRCh38, 1-based): chr2:31,347,527, C>G on the plus strand (G>C on the coding strand, the complement: XDH is on the minus strand). VCF-style: chr2-31347527-C-G. GRCh37 (hg19) VCF-style: chr2-31570393-C-G.
Other names: short protein forms V1091L.
Identifiers: ClinVar variation 335762 (VCV000335762.18), dbSNP rs45619033, ClinGen allele CA1598480.

ClinVar aggregate classification (germline): Benign/Likely benign. Review status: criteria provided, multiple submitters, no conflicts (2 of 4 stars). 5 submissions from 5 submitters: Benign (3); Likely benign (1). 1 of the submissions does not count toward it. Last evaluated 2025-06-12.

Conditions:
XDH-related disorder. Also called: XDH-related condition.
Xanthinuria type II. Also called: Xanthine dehydrogenase and aldehyde oxidase combined deficiency of; XDH and AOX dual deficiency. Identifiers: Orphanet 3467, Orphanet 93602, MedGen C1863688, MONDO:0011346, OMIM 603592.
Hereditary xanthinuria type 1 (XAN1). Identifiers: Orphanet 3467, Orphanet 93601, MedGen C0268118, MONDO:0010209, OMIM 278300.

Allele frequency attached by ClinVar (database versions not stated): ESP Exome Variant Server 0.00292; gnomAD 0.00328; TOPMed 0.00334; 1000 Genomes Project 0.00439; 1000 Genomes Project 30x 0.00484.
gnomAD v4.1: 921 of 1,613,886 alleles (0.057%); highest among the groups gnomAD compares: African/African-American, 1.1%; 2 homozygotes.

Submissions (5):

Labcorp Genetics (formerly Invitae), Labcorp
Classification: Benign for Xanthinuria type II. Last evaluated: 2025-06-12. Review status: criteria provided, single submitter. Criteria: Invitae Variant Classification Sherloc (09022015). Collection method: clinical testing. Allele origin: germline.

Mayo Clinic Laboratories, Mayo Clinic
Classification: Benign. Last evaluated: 2024-12-04. Review status: criteria provided, single submitter. Criteria: ACMG Guidelines, 2015. Collection method: clinical testing. Allele origin: germline. Observed: 1 variant allele.
Comment: BS1, BP4

Genome-Nilou Lab
Classification: Benign for Hereditary xanthinuria type 1. Last evaluated: 2021-12-05. Review status: criteria provided, single submitter. Criteria: ACMG Guidelines, 2015. Collection method: clinical testing. Allele origin: germline. Affected: no.

Illumina Laboratory Services, Illumina
Classification: Likely benign for Hereditary xanthinuria type 1. Last evaluated: 2018-01-12. Review status: criteria provided, single submitter. Criteria: ICSL Variant Classification Criteria 13 December 2019. Collection method: clinical testing. Allele origin: germline.
Comment: This variant was observed in the ICSL laboratory as part of a predisposition screen in an ostensibly healthy population. It had not been previously curated by ICSL or reported in the Human Gene Mutation Database (HGMD: prior to June 1st, 2018), and was therefore a candidate for classification through an automated scoring system. Utilizing variant allele frequency, disease prevalence and penetrance estimates, and inheritance mode, an automated score was calculated to assess if this variant is too frequent to cause the disease. Based on the score and internal cut-off values, a variant classified as likely benign is not then subjected to further curation. The score for this variant resulted in a classification of likely benign for this disease.

PreventionGenetics, part of Exact Sciences
Classification: Benign for XDH-related condition. Last evaluated: 2019-08-02. Review status: no assertion criteria provided. Collection method: clinical testing. Allele origin: germline. Not counted in ClinVar's aggregate classification.
Comment: This variant is classified as benign based on ACMG/AMP sequence variant interpretation guidelines (Richards et al. 2015 PMID: 25741868, with internal and published modifications).